The following is an entry in ClinVar:

ClinVar aggregate classification (germline): Pathogenic. Review status: reviewed by expert panel (3 of 4 stars). 10 submissions from 10 submitters: Pathogenic (1). 9 of the submissions do not count toward it. Last evaluated 2026-07-20.

Conditions:
CEP290-related ciliopathy. Also called: CEP290 ciliopathy. Identifiers: MedGen CN305601, MONDO:0100451.
CEP290-related disorder. Also called: CEP290-related disorders; CEP290-related condition. Identifiers: MedGen CN239314.
Meckel-Gruber syndrome. Also called: DYSENCEPHALIA SPLANCHNOCYSTICA; GRUBER SYNDROME; Dysencephalia splachnocystica. Identifiers: Orphanet 564, MedGen C0265215, MONDO:0018921.
Nephronophthisis. Also called: Juvenile Nephronophthisis. Identifiers: Orphanet 655, MedGen C0687120, MONDO:0019005, HP:0000090.
Joubert syndrome. Also called: JOUBERT-BOLTSHAUSER SYNDROME; Familial aplasia of the vermis. Identifiers: Orphanet 475, MedGen C5979921, MONDO:0018772.
Leber congenital amaurosis 10 (LCA10). Identifiers: Orphanet 65, MedGen C1857821, MONDO:0012723, OMIM 611755.
Meckel syndrome, type 4 (MKS4). Also called: MECKEL-GRUBER SYNDROME, TYPE 4. Identifiers: Orphanet 564, MedGen C1970161, MONDO:0012626, OMIM 611134.
Senior-Loken syndrome 6 (SLSN6). Identifiers: Orphanet 3156, MedGen C1857779, MONDO:0012433, OMIM 610189.
Joubert syndrome 5 (JBTS5). Identifiers: Orphanet 2318, MedGen C1857780, MONDO:0012432, OMIM 610188.
Bardet-Biedl syndrome 14 (BBS14). Identifiers: Orphanet 110, MedGen C2673874, MONDO:0014442, OMIM 615991.
Leber congenital amaurosis (LCA). Also called: Leber's amaurosis. Identifiers: Orphanet 65, MedGen C0339527, MeSH D057130, MONDO:0018998.

Submissions (10):

ClinGen Leber Congenital Amaurosis/early Onset Retinal Dystrophy Variant Curation Expert Panel, ClinGen
Classification: Pathogenic for CEP290-related ciliopathy. Last evaluated: 2026-07-20. Review status: reviewed by expert panel. Criteria: ClinGen LCAeoRD ACMG Specifications CEP290 V1.0.0. Collection method: curation. Allele origin: germline. Inheritance: Autosomal recessive inheritance.
Comment: NM_025114.4(CEP290):c.7341dup (p.Leu2448fs) is a frameshift variant that introduces a premature stop codon between positions 2448 and 2453 of CEP290 that is predicted not to trigger nonsense-mediated decay but rather to C-terminally truncate and disrupt a functionally critical part of the protein product (PVS1_Strong). This variant is present in gnomAD v.4.1.0 at a total allele frequency of 0.00002300, with 37 alleles / 1,609,044 total alleles, which is lower than the ClinGen LCA/eoRD VCEP PM2_Supporting threshold of <0.0006 (PM2_Supporting). This variant has been reported in at least 3 probands with early-onset severe retinal dystrophy who were compound heterozygous with either the NM_025114.4(CEP290):c.2991+1655A>G variant suspected in trans (0.5 points, PMID: 16909394), the NM_025114.4(CEP290):c.3175dup (p.Ile1059fs) variant suspected in trans (0.5 points, PMID: 16682973), or the NM_025114.4(CEP290):c.4028del (p.Lys1343fs) variant confirmed in trans (1 pt, PMID: 29588463), all of which were previously classified pathogenic by the ClinGen LCA/eoRD VCEP (2 total points, PM3_Strong). At least one proband harboring this variant exhibits a phenotype including diagnosis of Joubert syndrome (0.5 pts), retinal dystrophy, nystagmus (0.5 pts), psychomotor delay (0.5 pts), cerebellar atrophy, chronic renal failure (0.5 pts), and macrocephaly, with genotyping by microarray chip as well as by next-generation sequencing panel with >100 candidate genes that did not identify an alternative basis for disease (2 pts), which together are specific for CEP290-related ciliopathy (total 4 points, PMID: 29588463, PP4). In summary, this variant meets the criteria to be classified as Pathogenic for CEP290-related ciliopathy based on the ACMG/AMP criteria applied, as specified by the ClinGen LCA/eoRD VCEP: PVS1_Strong, PM2_Supporting, PM3_Strong, and PP4. (LCA/eoRD VCEP Specifications for CEP290 Version 1.0.0)

Natera, Inc.
Classification: Pathogenic for Leber congenital amaurosis. Last evaluated: 2025-12-06. Review status: criteria provided, single submitter. Criteria: Natera Variant Classification Schema (03/2026). Collection method: clinical testing. Allele origin: germline. Not counted in ClinVar's aggregate classification.
Comment: The c.7341dupA variant in CEP290 is a frameshift variant predicted to shift the reading frame beginning at codon 2448 and leads to a stop codon 8 codons downstream. This variant is expected to result in nonsense mediated decay, truncation, or a dysfunctional protein product. This variant is rare in the general population with a frequency below the threshold expected for the associated phenotype(s). This variant has been observed in one or more individuals affected with the associated recessive disease, as either homozygous or compound heterozygous with a second variant (PMID: 29588463, 16909394, 20683928, 16682973, 28771248). Additionally, this variant has been observed to segregate in affected family members (PMID: 29588463). Given the available evidence, this variant is classified as Pathogenic.

Labcorp Genetics (formerly Invitae), Labcorp
Classification: Pathogenic for Joubert syndrome; Meckel-Gruber syndrome; Nephronophthisis. Last evaluated: 2025-11-24. Review status: criteria provided, single submitter. Criteria: Invitae Variant Classification Sherloc (09022015). Collection method: clinical testing. Allele origin: germline. Not counted in ClinVar's aggregate classification.
Comment: This sequence change creates a premature translational stop signal (p.Leu2448Thrfs*8) in the CEP290 gene. While this is not anticipated to result in nonsense mediated decay, it is expected to disrupt the last 32 amino acid(s) of the CEP290 protein. This variant is present in population databases (rs281865189, gnomAD 0.003%). This premature translational stop signal has been observed in individual(s) with CEP290-related conditions (PMID: 16682973, 16909394, 29588463). This variant is also known as 7341-7342insA. ClinVar contains an entry for this variant (Variation ID: 99864). For these reasons, this variant has been classified as Pathogenic.

PreventionGenetics, part of Exact Sciences
Classification: Pathogenic for CEP290-related condition. Last evaluated: 2025-06-12. Review status: criteria provided, single submitter. Criteria: ACMG Guidelines, 2015. Collection method: clinical testing. Allele origin: germline. Not counted in ClinVar's aggregate classification.
Comment: The CEP290 c.7341dupA variant is predicted to result in a frameshift and premature protein termination (p.Leu2448Thrfs*8). This variant has been reported in the compound heterozygous state with a second pathogenic CEP290 variant in multiple individuals affected with Joubert syndrome, end-stage renal disease, and/or early onset severe retinal dystrophy (for example, see Supplementary Table S5 at Chaki. 2011. PubMed ID: 21866095; Feldhaus et al. 2020. PubMed ID: 31734136; Sayer et al. 2006. PubMed ID: 16682973). This variant is reported in 0.0097% of alleles in individuals of Ashkenazi Jewish descent in gnomAD. This variant is located in the last exon of CEP290 and therefore not predicted to undergo nonsense-mediated mRNA decay; however, other premature truncation variants in CEP290 have been reported both up- and downstream of this variant in the same exon (Human Gene Mutation Database). This variant is interpreted as pathogenic.

Baylor Genetics
Classification: Pathogenic for Bardet-Biedl syndrome 14. Last evaluated: 2024-03-25. Review status: criteria provided, single submitter. Criteria: ACMG Guidelines, 2015. Collection method: clinical testing. Allele origin: unknown. Not counted in ClinVar's aggregate classification.

Fulgent Genetics
Classification: Pathogenic for Joubert syndrome 5; Senior-Loken syndrome 6; Meckel syndrome, type 4; Leber congenital amaurosis 10; Bardet-Biedl syndrome 14. Last evaluated: 2024-03-07. Review status: criteria provided, single submitter. Criteria: ACMG Guidelines, 2015. Collection method: clinical testing. Allele origin: germline. Not counted in ClinVar's aggregate classification.

3billion
Classification: Likely pathogenic for Joubert syndrome 5. Last evaluated: 2023-09-01. Review status: criteria provided, single submitter. Criteria: ACMG Guidelines, 2015. Collection method: clinical testing. Allele origin: germline. Affected: yes. Not counted in ClinVar's aggregate classification.
Comment: The variant is observed at an extremely low frequency in the gnomAD v2.1.1 dataset (total allele frequency: 0.002%). Predicted Consequence/Location: Frameshift: predicted to result in a loss or disruption of normal protein function through protein truncation. The predicted truncated protein may be shortened by less than 10%. The variant has been reported at least twice as pathogenic without evidence for the classification (ClinVar ID: VCV000099864 /PMID: 16682973). Therefore, this variant is classified as Likely pathogenic according to the recommendation of ACMG/AMP guideline.

Revvity Omics, Revvity
Classification: Uncertain significance. Last evaluated: 2019-06-18. Review status: criteria provided, single submitter. Criteria: ACMG Guidelines, 2015. Collection method: clinical testing. Allele origin: germline. Not counted in ClinVar's aggregate classification.

Juno Genomics, Hangzhou Juno Genomics, Inc
Classification: Pathogenic for Joubert syndrome 5. Review status: criteria provided, single submitter. Criteria: ACMG Guidelines, 2015. Collection method: clinical testing. Allele origin: germline. Affected: yes. Not counted in ClinVar's aggregate classification.
Comment: Absent from controls (or at extremely low frequency if recessive) in Genome Aggregation Database, Exome Sequencing Project, 1000 Genomes Project, or Exome Aggregation Consortium.;Null variant in a gene where loss of function (LOF) is a known mechanism of disease.;For recessive disorders, detected in trans with a pathogenic variant.;Patient's phenotype or family history is highly specific for a disease with a single genetic etiology.

Retina International
No classification provided. Review status: no classification provided. Collection method: not provided. Allele origin: not provided. Not counted in ClinVar's aggregate classification.

Literature cited by the submitters: PubMed 29588463 (cited by Natera, Inc. and Labcorp Genetics (formerly Invitae), Labcorp); PubMed 16909394 (cited by Natera, Inc. and Labcorp Genetics (formerly Invitae), Labcorp); PubMed 20683928 (cited by Natera, Inc.); PubMed 16682973 (cited by 3 submitters); PubMed 28771248 (cited by Natera, Inc.).

NM_025114.4(CEP290):c.7341dup (p.Leu2448fs)

Genes: CEP290 (centrosomal protein 290; minus strand), RLIG1 (RNA 5'-phosphate and 3'-OH ligase 1; plus strand). Cytogenetic location: 12q21.32.
Variant type: Duplication.
Coding change: c.7341dup on transcript NM_025114.4 (MANE Select); coding-DNA position 7341, one base duplicated (A; older notation c.7341dupA).
Protein change: p.Leu2448fs; shifts the reading frame from leucine 2448.
Molecular consequence: frameshift variant. On other transcripts: 3 prime UTR variant (1).
Genome position (GRCh38, 1-based): chr12:88,049,283, T duplicated on the plus strand (A on the coding strand, the reverse complement: CEP290 is on the minus strand); the first of 7 consecutive T bases (chr12:88,049,283-88,049,289); duplicating any one gives the same sequence. VCF-style (leftmost placement, unchanged base first): chr12-88049282-G-GT. GRCh37 (hg19) VCF-style: chr12-88443059-G-GT.
Other names: NM_025114.4(CEP290):c.7341dup; p.Leu2448fs; c.7341dupA (NM_025114.3); c.*867dup (NM_001009894.3); short protein forms L2448fs.
Identifiers: ClinVar variation 99864 (VCV000099864.30), dbSNP rs281865189, ClinGen allele CA227985.